The following is an entry in ClinVar:

ClinVar aggregate classification (germline): Uncertain significance (1 of 4 stars; one submission).

Allele frequency attached by ClinVar (database versions not stated): ExAC 0.00004; TOPMed 0.00004; gnomAD 0.00008.

Submission:

Labcorp Genetics (formerly Invitae), Labcorp
Classification: Uncertain significance. Last evaluated: 2023-10-18. Review status: criteria provided, single submitter. Criteria: Invitae Variant Classification Sherloc (09022015). Collection method: clinical testing. Allele origin: germline.
Comment: This sequence change replaces serine, which is neutral and polar, with leucine, which is neutral and non-polar, at codon 53 of the FDX2 protein (p.Ser53Leu). This variant is present in population databases (rs771112632, gnomAD 0.06%). This variant has not been reported in the literature in individuals affected with FDX2-related conditions. ClinVar contains an entry for this variant (Variation ID: 2051127). Algorithms developed to predict the effect of missense changes on protein structure and function output the following: SIFT: "Not Available"; PolyPhen-2: "Not Available"; Align-GVGD: "Not Available". The leucine amino acid residue is found in multiple mammalian species, which suggests that this missense change does not adversely affect protein function. In summary, the available evidence is currently insufficient to determine the role of this variant in disease. Therefore, it has been classified as a Variant of Uncertain Significance.

NM_001397406.1(FDX2):c.149C>T (p.Ser50Leu)

Genes: FDX2 (ferredoxin 2; minus strand), FDX2-ZGLP1 (FDX2-ZGLP1 readthrough; minus strand), LOC130063486 (ATAC-STARR-seq lymphoblastoid silent region 10064; plus strand). Cytogenetic location: 19p13.2.
Variant type: single nucleotide variant.
Coding change: c.149C>T on transcript NM_001397406.1 (MANE Select); coding-DNA position 149, C replaced by T.
Protein change: p.Ser50Leu; replaces serine 50 with leucine.
Molecular consequence: missense variant.
Genome position (GRCh38, 1-based): chr19:10,315,756, G>A on the plus strand (C>T on the coding strand, the complement: FDX2 is on the minus strand). VCF-style: chr19-10315756-G-A. GRCh37 (hg19) VCF-style: chr19-10426432-G-A.
Other names: c.158C>T, p.Ser53Leu (NM_001031734.4); short protein forms S50L, S53L.
Identifiers: ClinVar variation 2051127 (VCV002051127.2), dbSNP rs771112632, ClinGen allele CA9191316.